The following is an entry in ClinVar:

ClinVar aggregate classification (germline): Likely benign (1 of 4 stars; one submission).

Submission:

GeneDx
Classification: Likely benign. Last evaluated: 2017-10-06. Review status: criteria provided, single submitter. Criteria: GeneDx Variant Classification (06012015). Collection method: clinical testing. Allele origin: germline. Affected: yes.
Comment: This variant is considered likely benign or benign based on one or more of the following criteria: it is a conservative change, it occurs at a poorly conserved position in the protein, it is predicted to be benign by multiple in silico algorithms, and/or has population frequency not consistent with disease.

NM_000302.4(PLOD1):c.-27C>A

Gene: PLOD1 (procollagen-lysine,2-oxoglutarate 5-dioxygenase 1; plus strand). Cytogenetic location: 1p36.22.
Variant type: single nucleotide variant.
Coding change: c.-27C>A on transcript NM_000302.4 (MANE Select); 27 bases upstream of the start codon, C replaced by A.
Molecular consequence: 5 prime UTR variant.
Genome position (GRCh38, 1-based): chr1:11,934,753, C>A. VCF-style: chr1-11934753-C-A. GRCh37 (hg19) VCF-style: chr1-11994810-C-A.
Other names: c.-27C>A (NM_001316320.2).
Identifiers: ClinVar variation 512631 (VCV000512631.1), dbSNP rs1252431057, ClinGen allele CA658795398.